The following is an entry in ClinVar:

NM_004304.5(ALK):c.3398G>T (p.Gly1133Val)

Gene: ALK (ALK receptor tyrosine kinase; minus strand). Cytogenetic location: 2p23.2.
Variant type: single nucleotide variant.
Coding change: c.3398G>T on transcript NM_004304.5 (MANE Select); coding-DNA position 3398, G replaced by T.
Protein change: p.Gly1133Val; replaces glycine 1133 with valine.
Molecular consequence: missense variant.
Genome position (GRCh38, 1-based): chr2:29,222,569, C>A on the plus strand (G>T on the coding strand, the complement: ALK is on the minus strand). VCF-style: chr2-29222569-C-A. GRCh37 (hg19) VCF-style: chr2-29445435-C-A.
Other names: c.194G>T, p.Gly65Val (NM_001353765.2); short protein forms G1133V, G65V.
Identifiers: ClinVar variation 573048 (VCV000573048.15), dbSNP rs773881309, ClinGen allele CA1593964.

ClinVar aggregate classification (germline): Uncertain significance. Review status: criteria provided, multiple submitters, no conflicts (2 of 4 stars). 2 submissions from 2 submitters: Uncertain significance (2). Last evaluated 2026-01-13.

Conditions:
Neuroblastoma, susceptibility to, 3. Also called: ALK-Related Neuroblastic Tumor Susceptibility. Identifiers: Orphanet 635, MedGen C2751681, MONDO:0013083, OMIM 613014.
Hereditary cancer-predisposing syndrome. Also called: Neoplastic Syndromes, Hereditary; Hereditary neoplastic syndrome; Tumor predisposition; Hereditary Cancer Syndrome. Identifiers: Orphanet 140162, MedGen C0027672, MeSH D009386, MONDO:0015356.

Allele frequency attached by ClinVar (database versions not stated): gnomAD exomes below 0.00001; ExAC 0.00001; TOPMed 0.00001.
gnomAD v4.1: 3 of 1,614,068 alleles (0.00019%); highest among the groups gnomAD compares: Non-Finnish European, 0.00025%; no homozygotes.

Submissions (2):

Labcorp Genetics (formerly Invitae), Labcorp
Classification: Uncertain significance for Neuroblastoma, susceptibility to, 3. Last evaluated: 2026-01-13. Review status: criteria provided, single submitter. Criteria: Invitae Variant Classification Sherloc (09022015). Collection method: clinical testing. Allele origin: germline.
Comment: This sequence change replaces glycine, which is neutral and non-polar, with valine, which is neutral and non-polar, at codon 1133 of the ALK protein (p.Gly1133Val). This variant is present in population databases (rs773881309, gnomAD 0.007%). This variant has not been reported in the literature in individuals affected with ALK-related conditions. ClinVar contains an entry for this variant (Variation ID: 573048). An algorithm developed to predict the effect of missense changes on protein structure and function (PolyPhen-2) suggests that this variant is likely to be disruptive. In summary, the available evidence is currently insufficient to determine the role of this variant in disease. Therefore, it has been classified as a Variant of Uncertain Significance.

Ambry Genetics
Classification: Uncertain significance for Hereditary cancer-predisposing syndrome. Last evaluated: 2025-12-16. Review status: criteria provided, single submitter. Criteria: Ambry Variant Classification Scheme 2023. Collection method: clinical testing. Allele origin: germline.